The following is an entry in ClinVar:

NM_000433.4(NCF2):c.1364A>G (p.Gln455Arg)

Gene: NCF2 (neutrophil cytosolic factor 2; minus strand). Cytogenetic location: 1q25.3.
Variant type: single nucleotide variant.
Coding change: c.1364A>G on transcript NM_000433.4 (MANE Select); coding-DNA position 1364, A replaced by G.
Protein change: p.Gln455Arg; replaces glutamine 455 with arginine.
Molecular consequence: missense variant.
Genome position (GRCh38, 1-based): chr1:183,560,200, T>C on the plus strand (A>G on the coding strand, the complement: NCF2 is on the minus strand). VCF-style: chr1-183560200-T-C. GRCh37 (hg19) VCF-style: chr1-183529335-T-C.
Other names: c.1364A>G, p.Gln455Arg (NM_001127651.3); c.1121A>G, p.Gln374Arg (NM_001190789.2); c.1229A>G, p.Gln410Arg (NM_001190794.2); short protein forms Q374R, Q410R, Q455R.
Identifiers: ClinVar variation 1002034 (VCV001002034.9), dbSNP rs142633260, ClinGen allele CA34019796.

ClinVar aggregate classification (germline): Uncertain significance (1 of 4 stars; one submission).

Conditions:
Granulomatous disease, chronic, autosomal recessive, cytochrome b-positive, type 2. Also called: GRANULOMATOUS DISEASE, CHRONIC, AUTOSOMAL RECESSIVE, 2; GRANULOMATOUS DISEASE, CHRONIC, DUE TO NCF2 DEFICIENCY; Chronic granulomatous disease due to deficiency of NCF-2; Chronic Granulomatous Disease, Autosomal Recessive, Cytochrome b-Positive, Type II; CGD, AUTOSOMAL RECESSIVE CYTOCHROME b-POSITIVE, TYPE II. Identifiers: Orphanet 379, MedGen C1856245, MONDO:0009310, OMIM 233710.

Allele frequency attached by ClinVar (database versions not stated): gnomAD 0.00001; gnomAD exomes 0.00001; TOPMed 0.00001; ESP Exome Variant Server 0.00008.
gnomAD v4.1: 2 of 1,614,106 alleles (0.00012%); highest among the groups gnomAD compares: Admixed American, 0.0017%; no homozygotes.

Submission:

Labcorp Genetics (formerly Invitae), Labcorp
Classification: Uncertain significance for Granulomatous disease, chronic, autosomal recessive, cytochrome b-positive, type 2. Last evaluated: 2020-03-05. Review status: criteria provided, single submitter. Criteria: Invitae Variant Classification Sherloc (09022015). Collection method: clinical testing. Allele origin: germline.
Comment: This sequence change replaces glutamine with arginine at codon 455 of the NCF2 protein (p.Gln455Arg). The glutamine residue is weakly conserved and there is a small physicochemical difference between glutamine and arginine. This variant is not present in population databases (ExAC no frequency). This variant has not been reported in the literature in individuals with NCF2-related conditions. Algorithms developed to predict the effect of missense changes on protein structure and function (SIFT, PolyPhen-2, Align-GVGD) all suggest that this variant is likely to be tolerated, but these predictions have not been confirmed by published functional studies and their clinical significance is uncertain. In summary, the available evidence is currently insufficient to determine the role of this variant in disease. Therefore, it has been classified as a Variant of Uncertain Significance.